The following is an entry in ClinVar:

ClinVar aggregate classification (germline): Uncertain significance (1 of 4 stars; one submission).

Conditions:
Early-infantile DEE. Also called: Ohtahara syndrome; Early infantile epileptic encephalopathy with suppression bursts; Early infantile epileptic encephalopathy. Identifiers: Orphanet 1934, MedGen C0393706, MONDO:0800491.

Submission:

Labcorp Genetics (formerly Invitae), Labcorp
Classification: Uncertain significance for Early-infantile DEE. Last evaluated: 2020-01-27. Review status: criteria provided, single submitter. Criteria: Invitae Variant Classification Sherloc (09022015). Collection method: clinical testing. Allele origin: germline.
Comment: This variant has not been reported in the literature in individuals with HCN1-related disease. Algorithms developed to predict the effect of missense changes on protein structure and function do not agree on the potential impact of this missense change (SIFT: "Deleterious"; PolyPhen-2: "Benign"; Align-GVGD: "Class C25"). In summary, the available evidence is currently insufficient to determine the role of this variant in disease. Therefore, it has been classified as a Variant of Uncertain Significance. This variant is not present in population databases (ExAC no frequency). This sequence change replaces lysine with arginine at codon 343 of the HCN1 protein (p.Lys343Arg). The lysine residue is highly conserved and there is a small physicochemical difference between lysine and arginine.

NM_021072.4(HCN1):c.1028A>G (p.Lys343Arg)

Gene: HCN1 (hyperpolarization activated cyclic nucleotide gated potassium channel 1; minus strand). Cytogenetic location: 5p12.
Variant type: single nucleotide variant.
Coding change: c.1028A>G on transcript NM_021072.4 (MANE Select); coding-DNA position 1028, A replaced by G.
Protein change: p.Lys343Arg; replaces lysine 343 with arginine.
Molecular consequence: missense variant.
Genome position (GRCh38, 1-based): chr5:45,396,694, T>C on the plus strand (A>G on the coding strand, the complement: HCN1 is on the minus strand). VCF-style: chr5-45396694-T-C. GRCh37 (hg19) VCF-style: chr5-45396796-T-C.
Other names: short protein forms K343R.
Identifiers: ClinVar variation 1053869 (VCV001053869.10), dbSNP rs2112040825, ClinGen allele CA359705639.